The following is an entry in ClinVar:

ClinVar aggregate classification (germline): Likely benign. Review status: reviewed by expert panel (3 of 4 stars). 10 submissions from 10 submitters: Likely benign (1). 9 of the submissions do not count toward it. Last evaluated 2017-06-29.

Conditions:
Hereditary breast ovarian cancer syndrome. Also called: Hereditary breast and ovarian cancer; Hereditary breast and ovarian cancer syndrome; Breast and ovarian cancer; Hereditary breast and ovarian cancer syndrome (HBOC); Hereditary breast and/or ovarian cancer syndrome; BRCA1- and BRCA2-Associated Hereditary Breast and Ovarian Cancer. Identifiers: Orphanet 145, MedGen C0677776, MeSH D061325, MONDO:0003582. Disease mechanism: loss of function.
Hereditary cancer-predisposing syndrome. Also called: Hereditary Cancer Syndrome; Neoplastic Syndromes, Hereditary; Tumor predisposition; Hereditary neoplastic syndrome. Identifiers: Orphanet 140162, MedGen C0027672, MeSH D009386, MONDO:0015356.
Breast-ovarian cancer, familial, susceptibility to, 2 (BROVCA2). Also called: BRCA2 Hereditary Breast and Ovarian Cancer. Identifiers: Orphanet 145, MedGen C2675520, MONDO:0012933, OMIM 612555. Disease mechanism: loss of function.

Allele frequency attached by ClinVar (database versions not stated): TOPMed 0.00004; ExAC 0.00005; gnomAD 0.00006; gnomAD exomes 0.00007; ESP Exome Variant Server 0.00008.
gnomAD v4.1: 97 of 1,605,130 alleles (0.006%); highest among the groups gnomAD compares: East Asian, 0.19%; no homozygotes.

Submissions (10):

Evidence-based Network for the Interpretation of Germline Mutant Alleles (ENIGMA)
Classification: Likely benign for Breast-ovarian cancer, familial, susceptibility to, 2. Last evaluated: 2017-06-29. Review status: reviewed by expert panel. Criteria: ENIGMA BRCA1/2 Classification Criteria (2017-06-29). Collection method: curation. Allele origin: germline.
Comment: Synonymous substitution variant, with low bioinformatic likelihood to result in a splicing aberration (Splicing prior probability 0.02).

Labcorp Genetics (formerly Invitae), Labcorp
Classification: Benign for Hereditary breast ovarian cancer syndrome. Last evaluated: 2026-01-20. Review status: criteria provided, single submitter. Criteria: Invitae Variant Classification Sherloc (09022015). Collection method: clinical testing. Allele origin: germline. Not counted in ClinVar's aggregate classification.

Center for Genomic Medicine, Rigshospitalet, Copenhagen University Hospital
Classification: Likely benign. Last evaluated: 2025-03-04. Review status: criteria provided, single submitter. Criteria: ACMG Guidelines, 2015. Collection method: clinical testing. Allele origin: germline. Not counted in ClinVar's aggregate classification.

Sema4
Classification: Likely benign for Hereditary cancer-predisposing syndrome. Last evaluated: 2021-10-19. Review status: criteria provided, single submitter. Criteria: Sema4 Curation Guidelines. Collection method: curation. Allele origin: germline. Not counted in ClinVar's aggregate classification.

Women's Health and Genetics/Laboratory Corporation of America, LabCorp
Classification: Likely benign. Last evaluated: 2020-12-24. Review status: criteria provided, single submitter. Criteria: LabCorp Variant Classification Summary - May 2015. Collection method: clinical testing. Allele origin: germline. Not counted in ClinVar's aggregate classification.

Quest Diagnostics Nichols Institute San Juan Capistrano
Classification: Benign. Last evaluated: 2019-11-29. Review status: criteria provided, single submitter. Criteria: Quest Diagnostics criteria. Collection method: clinical testing. Allele origin: unknown. Not counted in ClinVar's aggregate classification.

ARUP Laboratories, Molecular Genetics and Genomics, ARUP Laboratories
Classification: Likely benign. Last evaluated: 2018-08-01. Review status: criteria provided, single submitter. Criteria: ARUP Molecular Germline Variant Investigation Process. Collection method: clinical testing. Allele origin: germline. Not counted in ClinVar's aggregate classification.

Color Diagnostics, LLC DBA Color Health
Classification: Likely benign for Hereditary cancer-predisposing syndrome. Last evaluated: 2017-03-13. Review status: criteria provided, single submitter. Criteria: ACMG Guidelines, 2015. Collection method: clinical testing. Allele origin: germline. Not counted in ClinVar's aggregate classification.

GeneDx
Classification: Benign. Last evaluated: 2015-03-03. Review status: criteria provided, single submitter. Criteria: GeneDx Variant Classification Process June 2021. Collection method: clinical testing. Allele origin: germline. Affected: yes. Not counted in ClinVar's aggregate classification.

Ambry Genetics
Classification: Likely benign for Hereditary cancer-predisposing syndrome. Last evaluated: 2014-12-15. Review status: criteria provided, single submitter. Criteria: Ambry Variant Classification Scheme 2023. Collection method: clinical testing. Allele origin: germline. Not counted in ClinVar's aggregate classification.

Literature cited by the submitters: PubMed 15365993 (cited by Women's Health and Genetics/Laboratory Corporation of America, LabCorp and Quest Diagnostics Nichols Institute San Juan Capistrano); PubMed 16949048 (cited by Women's Health and Genetics/Laboratory Corporation of America, LabCorp and Quest Diagnostics Nichols Institute San Juan Capistrano); PubMed 17100994 (cited by Women's Health and Genetics/Laboratory Corporation of America, LabCorp and Quest Diagnostics Nichols Institute San Juan Capistrano); PubMed 27914478 (cited by Women's Health and Genetics/Laboratory Corporation of America, LabCorp).

NM_000059.4(BRCA2):c.2490C>T (p.Asn830=)

Gene: BRCA2 (BRCA2 DNA repair associated; plus strand). Cytogenetic location: 13q13.1.
Variant type: single nucleotide variant.
Coding change: c.2490C>T on transcript NM_000059.4 (MANE Select); coding-DNA position 2490, C replaced by T.
Protein change: p.Asn830=; no amino-acid change (asparagine 830 retained).
Molecular consequence: synonymous variant.
Genome position (GRCh38, 1-based): chr13:32,336,845, C>T. VCF-style: chr13-32336845-C-T. GRCh37 (hg19) VCF-style: chr13-32910982-C-T.
Identifiers: ClinVar variation 187581 (VCV000187581.31), dbSNP rs56331088, ClinGen allele CA015465.